The following is an entry in ClinVar:

NM_031220.4(PITPNM3):c.2894G>A (p.Arg965His)

Gene: PITPNM3 (PITPNM family member 3; minus strand). Cytogenetic location: 17p13.2.
Variant type: single nucleotide variant.
Coding change: c.2894G>A on transcript NM_031220.4 (MANE Select); coding-DNA position 2894, G replaced by A.
Protein change: p.Arg965His; replaces arginine 965 with histidine.
Molecular consequence: missense variant.
Genome position (GRCh38, 1-based): chr17:6,455,369, C>T on the plus strand (G>A on the coding strand, the complement: PITPNM3 is on the minus strand). VCF-style: chr17-6455369-C-T. GRCh37 (hg19) VCF-style: chr17-6358689-C-T.
Other names: c.2894G>A (NM_031220.3); c.2786G>A, p.Arg929His (NM_001165966.2); short protein forms R929H, R965H.
Identifiers: ClinVar variation 1040186 (VCV001040186.12), dbSNP rs774820110, ClinGen allele CA8328993.

ClinVar aggregate classification (germline): Uncertain significance. Review status: criteria provided, multiple submitters, no conflicts (2 of 4 stars). 3 submissions from 3 submitters: Uncertain significance (3). Last evaluated 2025-02-16.

Allele frequency attached by ClinVar (database versions not stated): ExAC 0.00001; gnomAD 0.00001.
gnomAD v4.1: 11 of 1,585,610 alleles (0.00069%); highest among the groups gnomAD compares: African/African-American, 0.011%; no homozygotes.

Submissions (3):

Labcorp Genetics (formerly Invitae), Labcorp
Classification: Uncertain significance. Last evaluated: 2025-02-16. Review status: criteria provided, single submitter. Criteria: Invitae Variant Classification Sherloc (09022015). Collection method: clinical testing. Allele origin: germline.
Comment: This sequence change replaces arginine, which is basic and polar, with histidine, which is basic and polar, at codon 965 of the PITPNM3 protein (p.Arg965His). The frequency data for this variant in the population databases is considered unreliable, as metrics indicate poor data quality at this position in the gnomAD database. This variant has not been reported in the literature in individuals affected with PITPNM3-related conditions. ClinVar contains an entry for this variant (Variation ID: 1040186). An algorithm developed to predict the effect of missense changes on protein structure and function (PolyPhen-2) suggests that this variant is likely to be disruptive. In summary, the available evidence is currently insufficient to determine the role of this variant in disease. Therefore, it has been classified as a Variant of Uncertain Significance.

Ambry Genetics
Classification: Uncertain significance. Last evaluated: 2024-12-16. Review status: criteria provided, single submitter. Criteria: Ambry Variant Classification Scheme 2023. Collection method: clinical testing. Allele origin: germline.

Blueprint Genetics
Classification: Uncertain significance. Last evaluated: 2024-09-16. Review status: criteria provided, single submitter. Criteria: ACMG Guidelines, 2015. Collection method: clinical testing. Allele origin: germline.